The following is an entry in ClinVar:

ClinVar aggregate classification (germline): Likely pathogenic (1 of 4 stars; one submission).

Submission:

GeneDx
Classification: Likely pathogenic. Last evaluated: 2025-02-11. Review status: criteria provided, single submitter. Criteria: GeneDx Variant Classification Process June 2021. Collection method: clinical testing. Allele origin: germline. Affected: yes.
Comment: Frameshift variant predicted to result in protein truncation or nonsense mediated decay in a gene for which loss of function is a known mechanism of disease; Not observed at significant frequency in large population cohorts (gnomAD); Has not been previously published as pathogenic or benign to our knowledge

NM_020812.4(DOCK6):c.327del (p.Arg110fs)

Gene: DOCK6 (dedicator of cytokinesis 6; minus strand). Cytogenetic location: 19p13.2.
Variant type: Deletion.
Coding change: c.327del on transcript NM_020812.4 (MANE Select); coding-DNA position 327, one base deleted (G; older notation c.327delG).
Protein change: p.Arg110fs; shifts the reading frame from arginine 110.
Molecular consequence: frameshift variant.
Genome position (GRCh38, 1-based): chr19:11,252,532, C deleted on the plus strand (G on the coding strand, the reverse complement: DOCK6 is on the minus strand). VCF-style (leftmost placement, unchanged base first): chr19-11252531-TC-T. GRCh37 (hg19) VCF-style: chr19-11363207-TC-T.
Other names: c.327del, p.Arg110fs (NM_001367830.1); short protein forms R110fs.
Identifiers: ClinVar variation 4074400 (VCV004074400.1).